The following is an entry in ClinVar:

NM_001197104.2(KMT2A):c.10487T>C (p.Met3496Thr)

Gene: KMT2A (lysine methyltransferase 2A; plus strand). Cytogenetic location: 11q23.3.
Variant type: single nucleotide variant.
Coding change: c.10487T>C on transcript NM_001197104.2 (MANE Select); coding-DNA position 10487, T replaced by C.
Protein change: p.Met3496Thr; replaces methionine 3496 with threonine.
Molecular consequence: missense variant.
Genome position (GRCh38, 1-based): chr11:118,506,379, T>C. VCF-style: chr11-118506379-T-C. GRCh37 (hg19) VCF-style: chr11-118377094-T-C.
Other names: c.10577T>C, p.Met3526Thr (NM_001412597.1); c.10478T>C, p.Met3493Thr (NM_005933.4); short protein forms M3493T, M3496T, M3526T.
Identifiers: ClinVar variation 2642435 (VCV002642435.24), dbSNP rs1555048446, ClinGen allele CA382825956.

ClinVar aggregate classification (germline): Uncertain significance (1 of 4 stars; one submission).

Submission:

CeGaT Center for Human Genetics Tuebingen
Classification: Uncertain significance. Last evaluated: 2023-01-01. Review status: criteria provided, single submitter. Criteria: CeGaT Center For Human Genetics Tuebingen Variant Classification Criteria Version 2. Collection method: clinical testing. Allele origin: germline. Affected: yes. Observed: 1 variant allele.
Comment: KMT2A: PM2, BP4